The following is an entry in ClinVar:

ClinVar aggregate classification (germline): Uncertain significance (1 of 4 stars; one submission).

Allele frequency attached by ClinVar (database versions not stated): gnomAD exomes below 0.00001 and 0.00001; ExAC 0.00001; gnomAD 0.00001; TOPMed 0.00002.
gnomAD v4.1: 4 of 1,612,730 alleles (0.00025%); highest among the groups gnomAD compares: Admixed American, 0.0033%; no homozygotes.

Submission:

Labcorp Genetics (formerly Invitae), Labcorp
Classification: Uncertain significance. Last evaluated: 2025-03-28. Review status: criteria provided, single submitter. Criteria: Invitae Variant Classification Sherloc (09022015). Collection method: clinical testing. Allele origin: germline.
Comment: This sequence change replaces glutamic acid, which is acidic and polar, with lysine, which is basic and polar, at codon 233 of the IRF9 protein (p.Glu233Lys). This variant is present in population databases (rs753305915, gnomAD 0.003%). This variant has not been reported in the literature in individuals affected with IRF9-related conditions. ClinVar contains an entry for this variant (Variation ID: 1449676). An algorithm developed to predict the effect of missense changes on protein structure and function outputs the following: PolyPhen-2: "Benign". The lysine amino acid residue is found in multiple mammalian species, which suggests that this missense change does not adversely affect protein function. In summary, the available evidence is currently insufficient to determine the role of this variant in disease. Therefore, it has been classified as a Variant of Uncertain Significance.

NM_006084.5(IRF9):c.697G>A (p.Glu233Lys)

Gene: IRF9 (interferon regulatory factor 9; plus strand). Cytogenetic location: 14q12.
Variant type: single nucleotide variant.
Coding change: c.697G>A on transcript NM_006084.5 (MANE Select); coding-DNA position 697, G replaced by A.
Protein change: p.Glu233Lys; replaces glutamic acid 233 with lysine.
Molecular consequence: missense variant. On other transcripts: intron variant (1).
Genome position (GRCh38, 1-based): chr14:24,164,661, G>A. VCF-style: chr14-24164661-G-A. GRCh37 (hg19) VCF-style: chr14-24633870-G-A.
Other names: c.724G>A, p.Glu242Lys (NM_001385400.1, NM_001385401.1); c.650-216G>A (NM_001385402.1); short protein forms E233K, E242K.
Identifiers: ClinVar variation 1449676 (VCV001449676.8), dbSNP rs753305915, ClinGen allele CA7126547.
Genomic context (GRCh38, chr14:24,164,661, plus strand): 5'-GTTCTATCCCCAGACTACTCACTGCTGCTCACCTTCATCTACAACGGGCGCGTGGTGGGC[G>A]AGGCCCAGGTGCAAAGCCTGGATTGCCGCCTTGTGGCTGAGCCCTCAGGCTCTGAGAGCA-3'
Protein context (NP_006075.3, residues 223-243): TFIYNGRVVG[Glu233Lys]AQVQSLDCRL